The following is an entry in ClinVar:

NM_017849.4(TMEM127):c.633C>T (p.Leu211=)

Gene: TMEM127 (transmembrane protein 127; minus strand). Cytogenetic location: 2q11.2.
Variant type: single nucleotide variant.
Coding change: c.633C>T on transcript NM_017849.4 (MANE Select); coding-DNA position 633, C replaced by T.
Protein change: p.Leu211=; no amino-acid change (leucine 211 retained).
Molecular consequence: synonymous variant.
Genome position (GRCh38, 1-based): chr2:96,253,892, G>A on the plus strand (C>T on the coding strand, the complement: TMEM127 is on the minus strand). VCF-style: chr2-96253892-G-A. GRCh37 (hg19) VCF-style: chr2-96919630-G-A.
Other names: c.633C>T, p.Leu211= (NM_001193304.3).
Identifiers: ClinVar variation 826330 (VCV000826330.14), dbSNP rs368792184, ClinGen allele CA1777267.

ClinVar aggregate classification (germline): Benign/Likely benign. Review status: criteria provided, multiple submitters, no conflicts (2 of 4 stars). 3 submissions from 3 submitters: Benign (1); Likely benign (2). Last evaluated 2026-07-30.

Conditions:
Hereditary cancer-predisposing syndrome. Also called: Hereditary neoplastic syndrome; Neoplastic Syndromes, Hereditary; Tumor predisposition; Hereditary Cancer Syndrome. Identifiers: Orphanet 140162, MedGen C0027672, MeSH D009386, MONDO:0015356.
Hereditary pheochromocytoma and paraganglioma. Also called: Hereditary pheochromocytoma-paraganglioma; Hereditary paragangliomas and pheochromocytomas; Hereditary Paraganglioma-Pheochromocytoma Syndromes. Identifiers: Orphanet 29072, MedGen C4274332, MONDO:0017366.

Allele frequency attached by ClinVar (database versions not stated): ESP Exome Variant Server 0.00008; gnomAD exomes 0.00001; ExAC 0.00001.
gnomAD v4.1: 17 of 1,614,016 alleles (0.0011%); highest among the groups gnomAD compares: Non-Finnish European, 0.0014%; no homozygotes.

Submissions (3):

Myriad Genetics, Inc.
Classification: Benign for Hereditary pheochromocytoma and paraganglioma. Last evaluated: 2026-07-30. Review status: criteria provided, single submitter. Criteria: Myriad Autosomal Dominant, Autosomal Recessive and X-Linked Classification Criteria (2023). Collection method: clinical testing. Allele origin: unknown.
Comment: This variant is considered benign. This variant is a silent/synonymous amino acid change and it is not expected to impact splicing.

Labcorp Genetics (formerly Invitae), Labcorp
Classification: Likely benign for Hereditary pheochromocytoma and paraganglioma. Last evaluated: 2025-08-11. Review status: criteria provided, single submitter. Criteria: Invitae Variant Classification Sherloc (09022015). Collection method: clinical testing. Allele origin: germline.

Ambry Genetics
Classification: Likely benign for Hereditary cancer-predisposing syndrome. Last evaluated: 2019-12-03. Review status: criteria provided, single submitter. Criteria: Ambry Variant Classification Scheme 2023. Collection method: clinical testing. Allele origin: germline.